The following is an entry in ClinVar:

NM_031313.3(ALPG):c.754C>T (p.Leu252=)

Gene: ALPG (alkaline phosphatase, germ cell; plus strand). Cytogenetic location: 2q37.1.
Variant type: single nucleotide variant.
Coding change: c.754C>T on transcript NM_031313.3 (MANE Select); coding-DNA position 754, C replaced by T.
Protein change: p.Leu252=; no amino-acid change (leucine 252 retained).
Molecular consequence: synonymous variant.
Genome position (GRCh38, 1-based): chr2:232,408,372, C>T. VCF-style: chr2-232408372-C-T. GRCh37 (hg19) VCF-style: chr2-233273082-C-T.
Identifiers: ClinVar variation 3388671 (VCV003388671.14).

ClinVar aggregate classification (germline): Likely benign (1 of 4 stars; one submission).

Submission:

CeGaT Center for Human Genetics Tuebingen
Classification: Likely benign. Last evaluated: 2024-09-01. Review status: criteria provided, single submitter. Criteria: CeGaT Center For Human Genetics Tuebingen Variant Classification Criteria Version 2. Collection method: clinical testing. Allele origin: germline. Affected: yes. Observed: 1 variant allele.
Comment: ALPG: PM2:Supporting, BP4, BP7